The following is an entry in ClinVar:

ClinVar aggregate classification (germline): Conflicting classifications of pathogenicity. Review status: criteria provided, conflicting classifications (1 of 4 stars). 3 submissions from 3 submitters: Uncertain significance (2); Likely benign (1). Last evaluated 2026-03-27.

Conditions:
ADGRV1-related disorder. Also called: ADGRV1-related condition; ADGRV1-related disorders.
Usher syndrome type 2C. Also called: Usher syndrome, type 2B; USHER SYNDROME, TYPE IIC. Identifiers: Orphanet 231178, Orphanet 886, MedGen C2931213, MONDO:0011558, OMIM 605472.

Allele frequency attached by ClinVar (database versions not stated): gnomAD 0.00001 and 0.00002; gnomAD exomes 0.00001 and 0.00003; TOPMed 0.00001; 1000 Genomes Project 0.00020; 1000 Genomes Project 30x 0.00031.
gnomAD v4.1: 14 of 1,559,120 alleles (0.0009%); highest among the groups gnomAD compares: Admixed American, 0.014%; no homozygotes.

Submissions (3):

PreventionGenetics, part of Exact Sciences
Classification: Uncertain significance for ADGRV1-related condition. Last evaluated: 2026-03-27. Review status: criteria provided, single submitter. Criteria: ACMG Guidelines, 2015. Collection method: clinical testing. Allele origin: germline.
Comment: The ADGRV1 c.13433+9A>G variant is predicted to interfere with splicing. This variant is predicted to alter splicing based on available splicing prediction software (SpliceAI, Jaganathan et al. 2019. PubMed ID: 30661751). However, the use of computer prediction softwares is not equivalent to functional evidence. To our knowledge, this variant has not been reported in the literature. This variant is reported in 0.015% of alleles in individuals of Latino descent in gnomAD. At this time, the clinical significance of this variant is uncertain due to the absence of conclusive functional and genetic evidence.

Labcorp Genetics (formerly Invitae), Labcorp
Classification: Likely benign. Last evaluated: 2025-06-15. Review status: criteria provided, single submitter. Criteria: Invitae Variant Classification Sherloc (09022015). Collection method: clinical testing. Allele origin: germline.

Baylor Genetics
Classification: Uncertain significance for Usher syndrome type 2C. Last evaluated: 2019-01-21. Review status: criteria provided, single submitter. Criteria: ACMG Guidelines, 2015. Collection method: clinical testing. Allele origin: maternal. Affected: yes.
Comment: This variant was determined to be of uncertain significance according to ACMG Guidelines, 2015 [PMID:25741868].

NM_032119.4(ADGRV1):c.13433+9A>G

Gene: ADGRV1 (adhesion G protein-coupled receptor V1; plus strand). Cytogenetic location: 5q14.3.
Variant type: single nucleotide variant.
Coding change: c.13433+9A>G on transcript NM_032119.4 (MANE Select); 9 bases into the intron after coding-DNA position 13433, A replaced by G.
Molecular consequence: intron variant.
Genome position (GRCh38, 1-based): chr5:90,783,334, A>G. VCF-style: chr5-90783334-A-G. GRCh37 (hg19) VCF-style: chr5-90079151-A-G.
Identifiers: ClinVar variation 1026757 (VCV001026757.11), dbSNP rs186025461, ClinGen allele CA122809202.
Genomic context (GRCh38, chr5:90,783,334, plus strand): 5'-ATGGGCAAAACTTAAGTTTTATAAATATCTCCATCATTGATGACAATGAAAGGTTGGTAT[A>G]TAGAAAATAATGTGGGCACATATAAGACATAAGTATTGTGTTCAAACTCTTACATATGTT-3'